The following is an entry in ClinVar:

ClinVar aggregate classification (germline): Uncertain significance (1 of 4 stars; one submission).

Conditions:
Familial cancer of breast. Also called: BREAST CANCER, FAMILIAL; Hereditary breast cancer; hereditary breast carcinoma. Identifiers: Orphanet 227535, MedGen C0346153, MONDO:0016419, OMIM 114480. Disease mechanism: loss of function.

Allele frequency attached by ClinVar (database versions not stated): gnomAD exomes below 0.00001.
gnomAD v4.1: 1 of 1,614,206 alleles (0.000062%); highest among the groups gnomAD compares: South Asian, 0.0011%; no homozygotes.

Submission:

Labcorp Genetics (formerly Invitae), Labcorp
Classification: Uncertain significance for Familial cancer of breast. Last evaluated: 2025-07-09. Review status: criteria provided, single submitter. Criteria: Invitae Variant Classification Sherloc (09022015). Collection method: clinical testing. Allele origin: germline.
Comment: This sequence change replaces leucine, which is neutral and non-polar, with proline, which is neutral and non-polar, at codon 604 of the PALB2 protein (p.Leu604Pro). This variant is not present in population databases (gnomAD no frequency). This variant has not been reported in the literature in individuals affected with PALB2-related conditions. ClinVar contains an entry for this variant (Variation ID: 460912). Invitae Evidence Modeling of protein sequence and biophysical properties (such as structural, functional, and spatial information, amino acid conservation, physicochemical variation, residue mobility, and thermodynamic stability) indicates that this missense variant is not expected to disrupt PALB2 protein function with a negative predictive value of 80%. In summary, the available evidence is currently insufficient to determine the role of this variant in disease. Therefore, it has been classified as a Variant of Uncertain Significance.

NM_024675.4(PALB2):c.1811T>C (p.Leu604Pro)

Gene: PALB2 (partner and localizer of BRCA2; minus strand). Cytogenetic location: 16p12.2.
Variant type: single nucleotide variant.
Coding change: c.1811T>C on transcript NM_024675.4 (MANE Select); coding-DNA position 1811, T replaced by C.
Protein change: p.Leu604Pro; replaces leucine 604 with proline.
Molecular consequence: missense variant.
Genome position (GRCh38, 1-based): chr16:23,630,343, A>G on the plus strand (T>C on the coding strand, the complement: PALB2 is on the minus strand). VCF-style: chr16-23630343-A-G. GRCh37 (hg19) VCF-style: chr16-23641664-A-G.
Other names: short protein forms L604P.
Identifiers: ClinVar variation 460912 (VCV000460912.9), dbSNP rs1555460637, ClinGen allele CA395128004.